The following is an entry in ClinVar:

ClinVar aggregate classification (germline): Uncertain significance (1 of 4 stars; one submission).

Allele frequency attached by ClinVar (database versions not stated): gnomAD 0.00001; gnomAD exomes 0.00001; TOPMed 0.00001.
gnomAD v4.1: 14 of 1,614,026 alleles (0.00087%); highest among the groups gnomAD compares: Non-Finnish European, 0.001%; no homozygotes.

Submission:

Labcorp Genetics (formerly Invitae), Labcorp
Classification: Uncertain significance. Last evaluated: 2023-10-17. Review status: criteria provided, single submitter. Criteria: Invitae Variant Classification Sherloc (09022015). Collection method: clinical testing. Allele origin: germline.
Comment: This sequence change replaces glutamic acid, which is acidic and polar, with lysine, which is basic and polar, at codon 409 of the APPL1 protein (p.Glu409Lys). This variant is not present in population databases (gnomAD no frequency). This variant has not been reported in the literature in individuals affected with APPL1-related conditions. Advanced modeling of protein sequence and biophysical properties (such as structural, functional, and spatial information, amino acid conservation, physicochemical variation, residue mobility, and thermodynamic stability) performed at Invitae indicates that this missense variant is not expected to disrupt APPL1 protein function. In summary, the available evidence is currently insufficient to determine the role of this variant in disease. Therefore, it has been classified as a Variant of Uncertain Significance.

NM_012096.3(APPL1):c.1225G>A (p.Glu409Lys)

Gene: APPL1 (adaptor protein, phosphotyrosine interacting with PH domain and leucine zipper 1; plus strand). Cytogenetic location: 3p14.3.
Variant type: single nucleotide variant.
Coding change: c.1225G>A on transcript NM_012096.3 (MANE Select); coding-DNA position 1225, G replaced by A.
Protein change: p.Glu409Lys; replaces glutamic acid 409 with lysine.
Molecular consequence: missense variant.
Genome position (GRCh38, 1-based): chr3:57,257,029, G>A. VCF-style: chr3-57257029-G-A. GRCh37 (hg19) VCF-style: chr3-57291057-G-A.
Other names: short protein forms E409K.
Identifiers: ClinVar variation 2899241 (VCV002899241.3), dbSNP rs948176239, ClinGen allele CA74959177.